The following is an entry in ClinVar:

ClinVar aggregate classification (germline): Likely pathogenic (1 of 4 stars; one submission).

Conditions:
Congenital defect of folate absorption. Also called: Hereditary Folate Malabsorption. Identifiers: Orphanet 90045, MedGen C0342705, MONDO:0009238, OMIM 229050.

Submission:

3billion
Classification: Likely pathogenic for Congenital defect of folate absorption. Last evaluated: 2025-10-01. Review status: criteria provided, single submitter. Criteria: ACMG Guidelines, 2015. Collection method: clinical testing. Allele origin: germline. Affected: yes.
Comment: The variant is not observed in the gnomAD v4.1.0 dataset. Predicted Consequence/Location: Frameshift: predicted to result in a loss or disruption of normal protein function through nonsense-mediated decay (NMD) or protein truncation. Multiple pathogenic variants are reported downstream of the variant. Therefore, this variant is classified as Likely pathogenic according to the recommendation of ACMG/AMP guideline.

NM_080669.6(SLC46A1):c.457del (p.Leu153fs)

Gene: SLC46A1 (solute carrier family 46 member 1; minus strand). Cytogenetic location: 17q11.2.
Variant type: Deletion.
Coding change: c.457del on transcript NM_080669.6 (MANE Select); coding-DNA position 457, one base deleted (C; older notation c.457delC).
Protein change: p.Leu153fs; shifts the reading frame from leucine 153.
Molecular consequence: frameshift variant.
Genome position (GRCh38, 1-based): chr17:28,405,240, G deleted on the plus strand (C on the coding strand, the reverse complement: SLC46A1 is on the minus strand); the first of 3 consecutive G bases (chr17:28,405,240-28,405,242); deleting any one gives the same sequence. VCF-style (leftmost placement, unchanged base first): chr17-28405239-AG-A. GRCh37 (hg19) VCF-style: chr17-26732257-AG-A.
Other names: c.457del, p.Leu153fs (NM_001242366.3); short protein forms L153fs.
Identifiers: ClinVar variation 4854428 (VCV004854428.1).